The following is an entry in ClinVar:

ClinVar aggregate classification (germline): Pathogenic (1 of 4 stars; one submission).

Conditions:
Epilepsy, familial adult myoclonic, 5 (EPEO5). Also called: CORTICAL MYOCLONIC TREMOR WITH EPILEPSY, FAMILIAL, 5. Identifiers: Orphanet 86814, MedGen C3809374, MONDO:0014167, OMIM 615400.

Allele frequency attached by ClinVar (database versions not stated): gnomAD exomes below 0.00001; ExAC 0.00001.
gnomAD v4.1: 2 of 1,613,936 alleles (0.00012%); highest among the groups gnomAD compares: Admixed American, 0.0017%; no homozygotes.

Submission:

Labcorp Genetics (formerly Invitae), Labcorp
Classification: Pathogenic for Epilepsy, familial adult myoclonic, 5. Last evaluated: 2021-09-19. Review status: criteria provided, single submitter. Criteria: Invitae Variant Classification Sherloc (09022015). Collection method: clinical testing. Allele origin: germline.
Comment: For these reasons, this variant has been classified as Pathogenic. Algorithms developed to predict the effect of sequence changes on RNA splicing suggest that this variant may create or strengthen a splice site. This variant has not been reported in the literature in individuals affected with CNTN2-related conditions. This variant is present in population databases (rs768608238, ExAC 0.002%). This sequence change creates a premature translational stop signal (p.Arg914*) in the CNTN2 gene. It is expected to result in an absent or disrupted protein product. Loss-of-function variants in CNTN2 are known to be pathogenic (PMID: 11178983, 23518707).

Literature cited by the submitters: PubMed 11178983; PubMed 23518707.

NM_005076.5(CNTN2):c.2740C>T (p.Arg914Ter)

Genes: CNTN2 (contactin 2; plus strand), LOC126805985 (MED14-independent group 3 enhancer GRCh37_chr1:205041546-205042745; plus strand). Cytogenetic location: 1q32.1.
Variant type: single nucleotide variant.
Coding change: c.2740C>T on transcript NM_005076.5 (MANE Select); coding-DNA position 2740, C replaced by T.
Protein change: p.Arg914Ter; replaces arginine 914 with a stop codon.
Molecular consequence: nonsense. On other transcripts: non-coding transcript variant (1).
Genome position (GRCh38, 1-based): chr1:205,072,491, C>T. VCF-style: chr1-205072491-C-T. GRCh37 (hg19) VCF-style: chr1-205041619-C-T.
Other names: c.2740C>T, p.Arg914Ter (NM_001346083.2); short protein forms R914*.
Identifiers: ClinVar variation 1424788 (VCV001424788.6), dbSNP rs768608238, ClinGen allele CA1351791.
Genomic context (GRCh38, chr1:205,072,491, plus strand): 5'-CGGGGTGCCAGGGAAACGTTTGGACATCTCTCCAATTCTTCCTCTCTGGCAGCTCCGCGG[C>T]GACCTCCTGGCAACATCTCCTGGACTTTCTCAAGCTCTAGTCTTAGCATTAAGTGGGACC-3'